The following is an entry in ClinVar:

NM_021625.5(TRPV4):c.191G>A (p.Arg64Gln)

Gene: TRPV4 (transient receptor potential cation channel subfamily V member 4; minus strand). Cytogenetic location: 12q24.11.
Variant type: single nucleotide variant.
Coding change: c.191G>A on transcript NM_021625.5 (MANE Select); coding-DNA position 191, G replaced by A.
Protein change: p.Arg64Gln; replaces arginine 64 with glutamine.
Molecular consequence: missense variant.
Genome position (GRCh38, 1-based): chr12:109,814,606, C>T on the plus strand (G>A on the coding strand, the complement: TRPV4 is on the minus strand). VCF-style: chr12-109814606-C-T. GRCh37 (hg19) VCF-style: chr12-110252411-C-T.
Other names: c.191G>A, p.Arg64Gln (NM_001177428.2, NM_001177433.2, NM_147204.3); c.89G>A, p.Arg30Gln (NM_001177431.2); short protein forms R64Q, R30Q.
Identifiers: ClinVar variation 1427523 (VCV001427523.10), dbSNP rs1199457372, ClinGen allele CA386660632.

ClinVar aggregate classification (germline): Uncertain significance. Review status: criteria provided, multiple submitters, no conflicts (2 of 4 stars). 3 submissions from 3 submitters: Uncertain significance (3). Last evaluated 2023-08-04.

Conditions:
Inborn genetic diseases. Identifiers: MedGen C0950123, MeSH D030342.
Charcot-Marie-Tooth disease axonal type 2C (HMSN2C). Also called: Charcot-Marie-Tooth Disease Type 2, TRPV4-Related (CMT2C); CHARCOT-MARIE-TOOTH DISEASE, AXONAL, AUTOSOMAL DOMINANT, TYPE 2C; Charcot-Marie-Tooth Neuropathy Type 2C. Identifiers: Orphanet 99937, MedGen C1853710, MONDO:0011633, OMIM 606071.

Allele frequency attached by ClinVar (database versions not stated): gnomAD exomes 0.00001; gnomAD 0.00002; TOPMed 0.00002.
gnomAD v4.1: 11 of 1,613,912 alleles (0.00068%); highest among the groups gnomAD compares: African/African-American, 0.0093%; no homozygotes.

Submissions (3):

Labcorp Genetics (formerly Invitae), Labcorp
Classification: Uncertain significance for Charcot-Marie-Tooth disease axonal type 2C. Last evaluated: 2023-08-04. Review status: criteria provided, single submitter. Criteria: Invitae Variant Classification Sherloc (09022015). Collection method: clinical testing. Allele origin: germline.
Comment: ClinVar contains an entry for this variant (Variation ID: 1427523). In summary, the available evidence is currently insufficient to determine the role of this variant in disease. Therefore, it has been classified as a Variant of Uncertain Significance. Advanced modeling of protein sequence and biophysical properties (such as structural, functional, and spatial information, amino acid conservation, physicochemical variation, residue mobility, and thermodynamic stability) performed at Invitae indicates that this missense variant is not expected to disrupt TRPV4 protein function. This variant has not been reported in the literature in individuals affected with TRPV4-related conditions. This variant is not present in population databases (gnomAD no frequency). This sequence change replaces arginine, which is basic and polar, with glutamine, which is neutral and polar, at codon 64 of the TRPV4 protein (p.Arg64Gln).

Athena Diagnostics
Classification: Uncertain significance. Last evaluated: 2023-07-07. Review status: criteria provided, single submitter. Criteria: Athena Diagnostics Criteria. Collection method: clinical testing. Allele origin: unknown.
Comment: Available data are insufficient to determine the clinical significance of the variant at this time. The frequency of this variant in the general population is higher than would generally be expected for pathogenic variants in this gene. Computational tools predict that this variant is not damaging.

Ambry Genetics
Classification: Uncertain significance for Inborn genetic diseases. Last evaluated: 2022-08-03. Review status: criteria provided, single submitter. Criteria: Ambry Variant Classification Scheme 2023. Collection method: clinical testing. Allele origin: germline.